The following is an entry in ClinVar:

NM_015506.3(MMACHC):c.43dup (p.Thr15fs)

Gene: MMACHC (metabolism of cobalamin associated C; plus strand). Cytogenetic location: 1p34.1.
Variant type: Duplication.
Coding change: c.43dup on transcript NM_015506.3 (MANE Select); coding-DNA position 43, one base duplicated (A; older notation c.43dupA).
Protein change: p.Thr15fs; shifts the reading frame from threonine 15.
Molecular consequence: frameshift variant. On other transcripts: 5 prime UTR variant (1).
Genome position (GRCh38, 1-based): chr1:45,500,375, A duplicated. VCF-style (leftmost placement, unchanged base first): chr1-45500374-C-CA. GRCh37 (hg19) VCF-style: chr1-45966046-C-CA.
Other names: c.-180dup (NM_001330540.2); short protein forms T15fs.
Identifiers: ClinVar variation 5011961 (VCV005011961.1).

ClinVar aggregate classification (germline): Pathogenic (1 of 4 stars; one submission).

Conditions:
Cobalamin C disease. Also called: Cobalamin-C methylmalonic acidemia and homocystinuria; Methylmalonic acidemia and homocystinuria cblC type; Methylmalonic aciduria and homocystinuria, Vitamin B12-responsive; Vitamin B12 metabolic defect with combined deficiency of methylmalonyl-CoA mutase and homocysteine:methyltetrahydrofolate methyltransferase; methylmalonic aciduria and homocystinuria type cblC; Methylmalonic aciduria with homocystinuria cblC type. Identifiers: Orphanet 26, Orphanet 79282, MedGen C1848561, MONDO:0010184, OMIM 277400.

Submission:

Myriad Genetics, Inc.
Classification: Pathogenic for Cobalamin C disease. Last evaluated: 2023-09-27. Review status: criteria provided, single submitter. Criteria: Myriad Autosomal Dominant, Autosomal Recessive and X-Linked Classification Criteria (2023). Collection method: clinical testing. Allele origin: unknown.
Comment: NM_015506.2(MMACHC):c.43dupA(T15Nfs*19) is expected to be pathogenic in the context of methylmalonic aciduria and homocystinuria, cblC type. This variant is predicted to lead to an abnormal or absent protein product due to the creation of a premature termination codon in MMACHC, a gene where loss-of-function variants are known to be pathogenic. Please note: this variant was assessed in the context of healthy population screening.